The following is an entry in ClinVar:

ClinVar aggregate classification (germline): Conflicting classifications of pathogenicity. Review status: criteria provided, conflicting classifications (1 of 4 stars). 3 submissions from 3 submitters: Uncertain significance (2); Likely benign (1). Last evaluated 2025-11-08.

Allele frequency attached by ClinVar (database versions not stated): gnomAD 0.00001 and 0.00002; ExAC 0.00002; gnomAD exomes 0.00002 and 0.00004; TOPMed 0.00003.
gnomAD v4.1: 38 of 1,613,320 alleles (0.0024%); highest among the groups gnomAD compares: South Asian, 0.0044%; no homozygotes.

Submissions (3):

Labcorp Genetics (formerly Invitae), Labcorp
Classification: Uncertain significance. Last evaluated: 2025-11-08. Review status: criteria provided, single submitter. Criteria: Invitae Variant Classification Sherloc (09022015). Collection method: clinical testing. Allele origin: germline.
Comment: This sequence change replaces arginine, which is basic and polar, with histidine, which is basic and polar, at codon 1133 of the COL2A1 protein (p.Arg1133His). This variant is present in population databases (rs776292672, gnomAD 0.01%). This variant has not been reported in the literature in individuals affected with COL2A1-related conditions. ClinVar contains an entry for this variant (Variation ID: 1510081). Invitae Evidence Modeling of protein sequence and biophysical properties (such as structural, functional, and spatial information, amino acid conservation, physicochemical variation, residue mobility, and thermodynamic stability) indicates that this missense variant is expected to disrupt COL2A1 protein function with a positive predictive value of 95%. In summary, the available evidence is currently insufficient to determine the role of this variant in disease. Therefore, it has been classified as a Variant of Uncertain Significance.

GeneDx
Classification: Uncertain significance. Last evaluated: 2025-06-27. Review status: criteria provided, single submitter. Criteria: GeneDx Variant Classification Process June 2021. Collection method: clinical testing. Allele origin: germline. Affected: yes.
Comment: Has not been previously published as pathogenic or benign to our knowledge; In silico analysis supports that this missense variant has a deleterious effect on protein structure/function; Occurs in the triple helical domain at the Y position in the canonical Gly-X-Y repeat; although this variant may have an effect on normal protein folding and function, missense substitution at the Y position is not a common mechanism of disease (HGMD)

CeGaT Center for Human Genetics Tuebingen
Classification: Likely benign. Last evaluated: 2023-12-01. Review status: criteria provided, single submitter. Criteria: CeGaT Center For Human Genetics Tuebingen Variant Classification Criteria Version 2. Collection method: clinical testing. Allele origin: germline. Affected: yes. Observed: 1 variant allele.
Comment: COL2A1: PM1, PM5:Supporting, PP3, BP5, BS2

NM_001844.5(COL2A1):c.3398G>A (p.Arg1133His)

Gene: COL2A1 (collagen type II alpha 1 chain; minus strand). Cytogenetic location: 12q13.11.
Variant type: single nucleotide variant.
Coding change: c.3398G>A on transcript NM_001844.5 (MANE Select); coding-DNA position 3398, G replaced by A.
Protein change: p.Arg1133His; replaces arginine 1133 with histidine.
Molecular consequence: missense variant.
Genome position (GRCh38, 1-based): chr12:47,976,849, C>T on the plus strand (G>A on the coding strand, the complement: COL2A1 is on the minus strand). VCF-style: chr12-47976849-C-T. GRCh37 (hg19) VCF-style: chr12-48370632-C-T.
Other names: c.3191G>A, p.Arg1064His (NM_033150.3); c.3398G>A (NM_001844.4); short protein forms R1133H, R1064H.
Identifiers: ClinVar variation 1510081 (VCV001510081.29), dbSNP rs776292672, ClinGen allele CA6534773.